The following is an entry in ClinVar:

ClinVar aggregate classification (germline): Uncertain significance (1 of 4 stars; one submission).

Submission:

Women's Health and Genetics/Laboratory Corporation of America, LabCorp
Classification: Uncertain significance. Last evaluated: 2022-06-01. Review status: criteria provided, single submitter. Criteria: LabCorp Variant Classification Summary - May 2015. Collection method: clinical testing. Allele origin: germline.
Comment: Variant summary: SOX4 c.1135_1137delinsGCG (p.Ser379Ala) results in a conservative amino acid change in the encoded protein sequence. Five of five in-silico tools predict a benign effect of the variant on protein function. The variant was absent in 182924 control chromosomes. The available data on variant occurrences in the general population are insufficient to allow any conclusion about variant significance. To our knowledge, no occurrence of c.1135_1137delinsGCG in individuals affected with Coffin-Siris Syndrome 10 and no experimental evidence demonstrating its impact on protein function have been reported. No clinical diagnostic laboratories have submitted clinical-significance assessments for this variant to ClinVar after 2014. Based on the evidence outlined above, the variant was classified as uncertain significance.

NM_003107.3(SOX4):c.1135_1137delinsGCG (p.Ser379Ala)

Gene: SOX4 (SRY-box transcription factor 4; plus strand). Cytogenetic location: 6p22.3.
Variant type: Indel.
Coding change: c.1135_1137delinsGCG on transcript NM_003107.3 (MANE Select); coding-DNA positions 1135 to 1137, TCC replaced by GCG.
Protein change: p.Ser379Ala; replaces serine 379 with alanine.
Molecular consequence: missense variant.
Genome position (GRCh38, 1-based): chr6:21,595,669-21,595,671, TCC replaced by GCG. VCF-style: chr6-21595669-TCC-GCG. GRCh37 (hg19) VCF-style: chr6-21595900-TCC-GCG.
Other names: short protein forms S379A.
Identifiers: ClinVar variation 1698518 (VCV001698518.1), dbSNP rs2113558606, ClinGen allele CA2580074236.
Genomic context (GRCh38, chr6:21,595,669, plus strand): 5'-CGCGGCTACGCCAGCCTGCGCGCCGCCTCGCCCGCCCCGTCCAGCGCGCCCTCGCACGCG[TCC>GCG]TCCTCGGCCTCGTCCCACTCCTCCTCTTCCTCCTCCTCGGGCTCCTCGTCCTCCGACGAC-3'
Protein context (NP_003098.1, residues 369-389): PAPSSAPSHA[Ser379Ala]SSASSHSSSS